The following is an entry in ClinVar:

NM_206920.3(MAMDC4):c.1280C>T (p.Ser427Leu)

Gene: MAMDC4 (MAM domain containing 4; plus strand). Cytogenetic location: 9q34.3.
Variant type: single nucleotide variant.
Coding change: c.1280C>T on transcript NM_206920.3 (MANE Select); coding-DNA position 1280, C replaced by T.
Protein change: p.Ser427Leu; replaces serine 427 with leucine.
Molecular consequence: missense variant.
Genome position (GRCh38, 1-based): chr9:136,855,336, C>T. VCF-style: chr9-136855336-C-T. GRCh37 (hg19) VCF-style: chr9-139749788-C-T.
Other names: NC_000009.11:g.139749788C>T; short protein forms S427L.
Identifiers: ClinVar variation 2659758 (VCV002659758.25), dbSNP rs145077934, ClinGen allele CA5348376.

ClinVar aggregate classification (germline): Likely benign (1 of 4 stars; one submission).

Allele frequency attached by ClinVar (database versions not stated): 1000 Genomes Project 0.00359; 1000 Genomes Project 30x 0.00453; TOPMed 0.00558; gnomAD 0.00586; ExAC 0.00590; ESP Exome Variant Server 0.00631.
gnomAD v4.1: 13,703 of 1,604,520 alleles (0.85%); highest among the groups gnomAD compares: Non-Finnish European, 1%; 79 homozygotes.

Submissions (26):

CeGaT Center for Human Genetics Tuebingen
Classification: Likely benign. Last evaluated: 2022-07-01. Review status: criteria provided, single submitter. Criteria: CeGaT Center For Human Genetics Tuebingen Variant Classification Criteria Version 2. Collection method: clinical testing. Allele origin: germline. Affected: yes. Observed: 1 variant allele.
Comment: MAMDC4: BP4

Dr. Peter K. Rogan Lab, Western University
No classification provided (evidence only). Condition: Clear cell carcinoma of kidney. Review status: no classification provided. Collection method: in vitro. Allele origin: not applicable. Functional consequence: retained intron. Not counted in ClinVar's aggregate classification.

Dr. Peter K. Rogan Lab, Western University
No classification provided (evidence only). Condition: Melanoma. Review status: no classification provided. Collection method: in vitro. Allele origin: not applicable. Functional consequence: retained intron. Not counted in ClinVar's aggregate classification.

Dr. Peter K. Rogan Lab, Western University
No classification provided (evidence only). Condition: Acute myeloid leukemia. Review status: no classification provided. Collection method: in vitro. Allele origin: not applicable. Functional consequence: retained intron. Not counted in ClinVar's aggregate classification.

Dr. Peter K. Rogan Lab, Western University
No classification provided (evidence only). Condition: Acute myeloid leukemia. Review status: no classification provided. Collection method: in vitro. Allele origin: not applicable. Functional consequence: retained intron. Not counted in ClinVar's aggregate classification.

Dr. Peter K. Rogan Lab, Western University
No classification provided (evidence only). Condition: Acute myeloid leukemia. Review status: no classification provided. Collection method: in vitro. Allele origin: not applicable. Functional consequence: retained intron. Not counted in ClinVar's aggregate classification.

Dr. Peter K. Rogan Lab, Western University
No classification provided (evidence only). Condition: Acute myeloid leukemia. Review status: no classification provided. Collection method: in vitro. Allele origin: not applicable. Functional consequence: retained intron. Not counted in ClinVar's aggregate classification.

Dr. Peter K. Rogan Lab, Western University
No classification provided (evidence only). Condition: Thyroid cancer, nonmedullary, 1. Review status: no classification provided. Collection method: in vitro. Allele origin: not applicable. Functional consequence: retained intron. Not counted in ClinVar's aggregate classification.

Dr. Peter K. Rogan Lab, Western University
No classification provided (evidence only). Condition: Thyroid cancer, nonmedullary, 1. Review status: no classification provided. Collection method: in vitro. Allele origin: not applicable. Functional consequence: retained intron. Not counted in ClinVar's aggregate classification.

Dr. Peter K. Rogan Lab, Western University
No classification provided (evidence only). Condition: Cervical cancer. Review status: no classification provided. Collection method: in vitro. Allele origin: not applicable. Functional consequence: retained intron. Not counted in ClinVar's aggregate classification.

Dr. Peter K. Rogan Lab, Western University
No classification provided (evidence only). Condition: Sarcoma. Review status: no classification provided. Collection method: in vitro. Allele origin: not applicable. Functional consequence: retained intron. Not counted in ClinVar's aggregate classification.

Dr. Peter K. Rogan Lab, Western University
No classification provided (evidence only). Condition: Malignant lymphoma, large B-cell, diffuse. Review status: no classification provided. Collection method: in vitro. Allele origin: not applicable. Functional consequence: skipped exon, retained intron. Not counted in ClinVar's aggregate classification.

Dr. Peter K. Rogan Lab, Western University
No classification provided (evidence only). Condition: Hepatocellular carcinoma. Review status: no classification provided. Collection method: in vitro. Allele origin: not applicable. Functional consequence: retained intron. Not counted in ClinVar's aggregate classification.

Dr. Peter K. Rogan Lab, Western University
No classification provided (evidence only). Condition: Ovarian serous cystadenocarcinoma. Review status: no classification provided. Collection method: in vitro. Allele origin: not applicable. Functional consequence: retained intron. Not counted in ClinVar's aggregate classification.

Dr. Peter K. Rogan Lab, Western University
No classification provided (evidence only). Condition: Ovarian serous cystadenocarcinoma. Review status: no classification provided. Collection method: in vitro. Allele origin: not applicable. Functional consequence: retained intron. Not counted in ClinVar's aggregate classification.

Dr. Peter K. Rogan Lab, Western University
No classification provided (evidence only). Condition: Ovarian serous cystadenocarcinoma. Review status: no classification provided. Collection method: in vitro. Allele origin: not applicable. Functional consequence: retained intron. Not counted in ClinVar's aggregate classification.

Dr. Peter K. Rogan Lab, Western University
No classification provided (evidence only). Condition: Ovarian serous cystadenocarcinoma. Review status: no classification provided. Collection method: in vitro. Allele origin: not applicable. Functional consequence: retained intron. Not counted in ClinVar's aggregate classification.

Dr. Peter K. Rogan Lab, Western University
No classification provided (evidence only). Condition: Gastric cancer. Review status: no classification provided. Collection method: in vitro. Allele origin: not applicable. Functional consequence: retained intron. Not counted in ClinVar's aggregate classification.

Dr. Peter K. Rogan Lab, Western University
No classification provided (evidence only). Condition: Gastric cancer. Review status: no classification provided. Collection method: in vitro. Allele origin: not applicable. Functional consequence: retained intron. Not counted in ClinVar's aggregate classification.

Dr. Peter K. Rogan Lab, Western University
No classification provided (evidence only). Condition: Adrenocortical carcinoma, hereditary. Review status: no classification provided. Collection method: in vitro. Allele origin: not applicable. Functional consequence: retained intron. Not counted in ClinVar's aggregate classification.

Dr. Peter K. Rogan Lab, Western University
No classification provided (evidence only). Condition: Uveal melanoma. Review status: no classification provided. Collection method: in vitro. Allele origin: not applicable. Functional consequence: retained intron. Not counted in ClinVar's aggregate classification.

Dr. Peter K. Rogan Lab, Western University
No classification provided (evidence only). Condition: Malignant tumor of esophagus. Review status: no classification provided. Collection method: in vitro. Allele origin: not applicable. Functional consequence: retained intron. Not counted in ClinVar's aggregate classification.

Dr. Peter K. Rogan Lab, Western University
No classification provided (evidence only). Condition: Malignant tumor of esophagus. Review status: no classification provided. Collection method: in vitro. Allele origin: not applicable. Functional consequence: retained intron. Not counted in ClinVar's aggregate classification.

Dr. Peter K. Rogan Lab, Western University
No classification provided (evidence only). Condition: Familial pancreatic carcinoma. Review status: no classification provided. Collection method: in vitro. Allele origin: not applicable. Functional consequence: retained intron. Not counted in ClinVar's aggregate classification.

Dr. Peter K. Rogan Lab, Western University
No classification provided (evidence only). Condition: Lymphoma. Review status: no classification provided. Collection method: in vitro. Allele origin: not applicable. Functional consequence: retained intron. Not counted in ClinVar's aggregate classification.

Dr. Peter K. Rogan Lab, Western University
No classification provided (evidence only). Condition: Lymphoma. Review status: no classification provided. Collection method: in vitro. Allele origin: not applicable. Functional consequence: retained intron. Not counted in ClinVar's aggregate classification.